The following is an entry in ClinVar:

ClinVar aggregate classification (germline): Uncertain significance (1 of 4 stars; one submission).

Conditions:
Left ventricular noncompaction 8 (LVNC8). Identifiers: Orphanet 154, Orphanet 54260, MedGen C3809288, MONDO:0014152, OMIM 615373.

Allele frequency attached by ClinVar (database versions not stated): ExAC 0.00001; gnomAD 0.00001 and 0.00002; gnomAD exomes 0.00001 and 0.00002; TOPMed 0.00002.
gnomAD v4.1: 24 of 1,613,638 alleles (0.0015%); highest among the groups gnomAD compares: East Asian, 0.0022%; no homozygotes.

Submission:

Labcorp Genetics (formerly Invitae), Labcorp
Classification: Uncertain significance for Left ventricular noncompaction 8. Last evaluated: 2024-07-06. Review status: criteria provided, single submitter. Criteria: Invitae Variant Classification Sherloc (09022015). Collection method: clinical testing. Allele origin: germline.
Comment: This sequence change replaces arginine, which is basic and polar, with histidine, which is basic and polar, at codon 173 of the PRDM16 protein (p.Arg173His). This variant is present in population databases (rs768419281, gnomAD 0.003%). This variant has not been reported in the literature in individuals affected with PRDM16-related conditions. ClinVar contains an entry for this variant (Variation ID: 1007787). An algorithm developed to predict the effect of missense changes on protein structure and function (PolyPhen-2) suggests that this variant is likely to be disruptive. In summary, the available evidence is currently insufficient to determine the role of this variant in disease. Therefore, it has been classified as a Variant of Uncertain Significance.

NM_022114.4(PRDM16):c.518G>A (p.Arg173His)

Gene: PRDM16 (PR/SET domain 16; plus strand). Cytogenetic location: 1p36.32.
Variant type: single nucleotide variant.
Coding change: c.518G>A on transcript NM_022114.4 (MANE Select); coding-DNA position 518, G replaced by A.
Protein change: p.Arg173His; replaces arginine 173 with histidine.
Molecular consequence: missense variant.
Genome position (GRCh38, 1-based): chr1:3,385,231, G>A. VCF-style: chr1-3385231-G-A. GRCh37 (hg19) VCF-style: chr1-3301795-G-A.
Other names: c.518G>A, p.Arg173His (NM_199454.3); short protein forms R173H.
Identifiers: ClinVar variation 1007787 (VCV001007787.8), dbSNP rs768419281, ClinGen allele CA543840.